The following is an entry in ClinVar:

ClinVar aggregate classification (germline): Pathogenic (0 of 4 stars; one submission).

Conditions:
Fanconi anemia complementation group A (FANCA). Also called: Fanconi anemia, group A; FANCA-Related Fanconi Anemia. Identifiers: Orphanet 84, MedGen C3469521, MONDO:0009215, OMIM 227650.

Submission:

Leiden Open Variation Database
Classification: Pathogenic for Fanconi anemia complementation group A. Last evaluated: 2020-02-28. Review status: no assertion criteria provided. Collection method: curation. Allele origin: germline. Affected: yes.
Comment: Curator: Arleen D. Auerbach. Submitter to LOVD: Arleen D. Auerbach.

Literature cited by the submitters: PubMed 15523645.

NM_000135.4(FANCA):c.2151+328_2778+1085del

Genes: FANCA (FA complementation group A; minus strand), LOC130059838 (ATAC-STARR-seq lymphoblastoid active region 11421; plus strand), LOC130059837 (ATAC-STARR-seq lymphoblastoid active region 11420; plus strand). Cytogenetic location: 16q24.3.
Variant type: Deletion.
Coding change: c.2151+328_2778+1085del on transcript NM_000135.4 (MANE Select); 328 bases into the intron after coding-DNA position 2151 through 1085 bases into the intron after coding-DNA position 2778, 7,546 bases deleted.
Molecular consequence: splice acceptor variant, splice donor variant.
Genome position (GRCh38, 1-based): chr16:89,763,805-89,771,350, 7,546 bases deleted. GRCh37 (hg19): chr16:89,830,215-89,837,760.
Other names: NM_000135.2:c.2151+328_2778+1085del; c.2151+328_2778+1085del (NM_001286167.3).
Identifiers: ClinVar variation 974325 (VCV000974325.1), ClinGen allele CA1139665046.